The following is an entry in ClinVar:

ClinVar aggregate classification (germline): Uncertain significance. Review status: criteria provided, multiple submitters, no conflicts (2 of 4 stars). 2 submissions from 2 submitters: Uncertain significance (2). Last evaluated 2025-11-27.

Conditions:
Cardiovascular phenotype. Identifiers: MedGen CN230736.
Naxos disease (NXD). Also called: WOOLLY HAIR, PALMOPLANTAR KERATODERMA, AND CARDIAC ABNORMALITIES; CARDIOMYOPATHY, ARRHYTHMOGENIC RIGHT VENTRICULAR, WITH SKIN, HAIR, AND NAIL ABNORMALITIES; KERATOSIS PALMOPLANTARIS WITH ARRHYTHMOGENIC CARDIOMYOPATHY; MAL DE NAXOS; PALMOPLANTAR KERATODERMA WITH ARRHYTHMOGENIC RIGHT VENTRICULAR CARDIOMYOPATHY AND WOOLLY HAIR. Identifiers: Orphanet 34217, MedGen C1832600, MONDO:0011017, OMIM 601214.
Arrhythmogenic right ventricular dysplasia 12. Also called: ARRHYTHMOGENIC RIGHT VENTRICULAR DYSPLASIA, FAMILIAL, 12. Identifiers: MedGen C1969081, MONDO:0012684, OMIM 611528.

gnomAD v4.1: 5 of 1,613,894 alleles (0.00031%); highest among the groups gnomAD compares: Non-Finnish European, 0.00042%; no homozygotes.

Submissions (2):

Labcorp Genetics (formerly Invitae), Labcorp
Classification: Uncertain significance for Arrhythmogenic right ventricular dysplasia 12; Naxos disease. Last evaluated: 2025-11-27. Review status: criteria provided, single submitter. Criteria: Invitae Variant Classification Sherloc (09022015). Collection method: clinical testing. Allele origin: germline.
Comment: This sequence change replaces aspartic acid, which is acidic and polar, with asparagine, which is neutral and polar, at codon 23 of the JUP protein (p.Asp23Asn). This variant is not present in population databases (gnomAD no frequency). This missense change has been observed in individual(s) with hypertrophic cardiomyopathy (PMID: 34500006). ClinVar contains an entry for this variant (Variation ID: 2625417). An algorithm developed to predict the effect of missense changes on protein structure and function (PolyPhen-2) suggests that this variant is likely to be disruptive. In summary, the available evidence is currently insufficient to determine the role of this variant in disease. Therefore, it has been classified as a Variant of Uncertain Significance.

Ambry Genetics
Classification: Uncertain significance for Cardiovascular phenotype. Last evaluated: 2023-07-24. Review status: criteria provided, single submitter. Criteria: Ambry Variant Classification Scheme 2023. Collection method: clinical testing. Allele origin: germline.
Comment: The p.D23N variant (also known as c.67G>A), located in coding exon 1 of the JUP gene, results from a G to A substitution at nucleotide position 67. The aspartic acid at codon 23 is replaced by asparagine, an amino acid with highly similar properties. This variant has been detected in an individual from a hypertrophic cardiomyopathy cohort (Wu G et al. Can J Cardiol, 2022 Jan;38:41-48). This amino acid position is highly conserved in available vertebrate species. In addition, this alteration is predicted to be tolerated by in silico analysis. Since supporting evidence is limited at this time, the clinical significance of this alteration remains unclear.

Literature cited by the submitters: PubMed 34500006 (cited by Labcorp Genetics (formerly Invitae), Labcorp and Ambry Genetics).

NM_002230.4(JUP):c.67G>A (p.Asp23Asn)

Gene: JUP (junction plakoglobin; minus strand). Cytogenetic location: 17q21.2.
Variant type: single nucleotide variant.
Coding change: c.67G>A on transcript NM_002230.4 (MANE Select); coding-DNA position 67, G replaced by A.
Protein change: p.Asp23Asn; replaces aspartic acid 23 with asparagine.
Molecular consequence: missense variant.
Genome position (GRCh38, 1-based): chr17:41,771,788, C>T on the plus strand (G>A on the coding strand, the complement: JUP is on the minus strand). VCF-style: chr17-41771788-C-T. GRCh37 (hg19) VCF-style: chr17-39928040-C-T.
Other names: c.67G>A, p.Asp23Asn (NM_001352773.2, NM_001352774.2, NM_001352775.2 and 3 more transcripts); short protein forms D23N.
Identifiers: ClinVar variation 2625417 (VCV002625417.5), dbSNP rs2544216859, ClinGen allele CA399507129.